The following is an entry in ClinVar:

NM_014956.5(CEP164):c.4284G>C (p.Arg1428Ser)

Gene: CEP164 (centrosomal protein 164; plus strand). Cytogenetic location: 11q23.3.
Variant type: single nucleotide variant.
Coding change: c.4284G>C on transcript NM_014956.5 (MANE Select); coding-DNA position 4284, G replaced by C.
Protein change: p.Arg1428Ser; replaces arginine 1428 with serine.
Molecular consequence: missense variant.
Genome position (GRCh38, 1-based): chr11:117,411,915, G>C. VCF-style: chr11-117411915-G-C. GRCh37 (hg19) VCF-style: chr11-117282631-G-C.
Other names: c.4269G>C, p.Arg1423Ser (NM_001271933.2); c.4290G>C, p.Arg1430Ser (NM_001440949.1); c.4284G>C, p.Arg1428Ser (NM_001440950.1, NM_001440951.1); c.4146G>C, p.Arg1382Ser (NM_001440961.1); c.4137G>C, p.Arg1379Ser (NM_001440962.1, NM_001440963.1); c.4134G>C, p.Arg1378Ser (NM_001440964.1, NM_001440965.1, NM_001440966.1); c.4122G>C, p.Arg1374Ser (NM_001440967.1); c.4119G>C, p.Arg1373Ser (NM_001440968.1); and 21 more; short protein forms R1283S, R1344S, R1350S, R1367S, R1373S, R1394S, R1423S, R1303S.
Identifiers: ClinVar variation 4613009 (VCV004613009.2).
Genomic context (GRCh38, chr11:117,411,915, plus strand): 5'-CTTTCAGGGCATAATTGAGGCCAACCGGAGGTGGCTGGAACGTGTCAAGAATGACCCCAG[G>C]TTGTATCCTTTTACCTGGTTCCCAAACTGGGCTGGGCTGTGGGGACTGTGCTTGTGCCCT-3'
Protein context (NP_055771.4, residues 1418-1438): RWLERVKNDP[Arg1428Ser]LPLFSSTPKP

ClinVar aggregate classification (germline): Uncertain significance. Review status: criteria provided, multiple submitters, no conflicts (2 of 4 stars). 2 submissions from 2 submitters: Uncertain significance (2). Last evaluated 2025-11-03.

Conditions:
CEP164-related disorder. Also called: CEP164-related condition.
Inborn genetic diseases. Identifiers: MedGen C0950123, MeSH D030342.

gnomAD v4.1: 30 of 1,614,002 alleles (0.0019%); highest among the groups gnomAD compares: Non-Finnish European, 0.0025%; no homozygotes.

Submissions (2):

Ambry Genetics
Classification: Uncertain significance for Inborn genetic diseases. Last evaluated: 2025-11-03. Review status: criteria provided, single submitter. Criteria: Ambry Variant Classification Scheme 2023. Collection method: clinical testing. Allele origin: germline.

PreventionGenetics, part of Exact Sciences
Classification: Uncertain significance for CEP164-related condition. Last evaluated: 2025-02-05. Review status: criteria provided, single submitter. Criteria: ACMG Guidelines, 2015. Collection method: clinical testing. Allele origin: germline.
Comment: The CEP164 c.4284G>C variant is predicted to result in the amino acid substitution p.Arg1428Ser. To our knowledge, this variant has not been reported in the literature. This variant is reported in 0.00089% of alleles in individuals of European (Non-Finnish) descent in gnomAD. At this time, the clinical significance of this variant is uncertain due to the absence of conclusive functional and genetic evidence.